The following is an entry in ClinVar:

NM_000052.7(ATP7A):c.2112G>T (p.Gln704His)

Gene: ATP7A (ATPase copper transporting alpha; plus strand). Cytogenetic location: Xq21.1.
Variant type: single nucleotide variant.
Coding change: c.2112G>T on transcript NM_000052.7 (MANE Select); coding-DNA position 2112, G replaced by T.
Protein change: p.Gln704His; replaces glutamine 704 with histidine.
Molecular consequence: missense variant.
Genome position (GRCh38, 1-based): chrX:78,011,614, G>T. VCF-style: chrX-78011614-G-T. GRCh37 (hg19) VCF-style: chrX-77267111-G-T.
Other names: c.2112G>T, p.Gln704His (NM_001282224.2); short protein forms Q704H.
Identifiers: ClinVar variation 2936394 (VCV002936394.4), dbSNP rs1471996737, ClinGen allele CA413598448.
Genomic context (GRCh38, chrX:78,011,614, plus strand): 5'-TCAAAACATGAGTAAAGAAGAAATGATCAACCTTCATTCTTCTATGTTCCTGGAGCGCCA[G>T]ATTCTTCCAGGATTGTCTGTTATGAATTTGCTGTCCTTTTTATTGTGTGTACCTGTACAG-3'
Protein context (NP_000043.4, residues 694-714): NLHSSMFLER[Gln704His]ILPGLSVMNL

ClinVar aggregate classification (germline): Uncertain significance. Review status: criteria provided, multiple submitters, no conflicts (2 of 4 stars). 2 submissions from 2 submitters: Uncertain significance (2). Last evaluated 2024-02-19.

Conditions:
Cutis laxa, X-linked (OHS). Also called: Occipital horn syndrome; EDS IX. Identifiers: Orphanet 198, MedGen C0268353, MONDO:0010572, OMIM 304150.
Menkes kinky-hair syndrome (MNK). Also called: Copper transport disease; Menkes Disease; Classic Menkes Disease. Identifiers: Orphanet 565, MedGen C0022716, MONDO:0010651, OMIM 309400.
X-linked distal spinal muscular atrophy type 3. Also called: ATP7A-Related Distal Motor Neuropathy; NEURONOPATHY, DISTAL HEREDITARY MOTOR, X-LINKED; NEUROPATHY, DISTAL HEREDITARY MOTOR, X-LINKED; SPINAL MUSCULAR ATROPHY, DISTAL, X-LINKED RECESSIVE. Identifiers: Orphanet 139557, MedGen C1845359, MONDO:0010338, OMIM 300489.

gnomAD v4.1: 2 of 1,211,301 alleles (0.00017%); highest among the groups gnomAD compares: Admixed American, 0.0022%; no homozygotes.

Submissions (2):

Labcorp Genetics (formerly Invitae), Labcorp
Classification: Uncertain significance for X-linked distal spinal muscular atrophy type 3; Cutis laxa, X-linked; Menkes kinky-hair syndrome. Last evaluated: 2024-02-19. Review status: criteria provided, single submitter. Criteria: Invitae Variant Classification Sherloc (09022015). Collection method: clinical testing. Allele origin: germline.
Comment: This sequence change replaces glutamine, which is neutral and polar, with histidine, which is basic and polar, at codon 704 of the ATP7A protein (p.Gln704His). This variant is not present in population databases (gnomAD no frequency). This variant has not been reported in the literature in individuals affected with ATP7A-related conditions. Advanced modeling of protein sequence and biophysical properties (such as structural, functional, and spatial information, amino acid conservation, physicochemical variation, residue mobility, and thermodynamic stability) performed at Invitae indicates that this missense variant is not expected to disrupt ATP7A protein function with a negative predictive value of 95%. In summary, the available evidence is currently insufficient to determine the role of this variant in disease. Therefore, it has been classified as a Variant of Uncertain Significance.

Blueprint Genetics
Classification: Uncertain significance. Last evaluated: 2021-06-09. Review status: criteria provided, single submitter. Criteria: ACMG Guidelines, 2015. Collection method: clinical testing. Allele origin: germline.